The following is an entry in ClinVar:

ClinVar aggregate classification (germline): Likely pathogenic (1 of 4 stars; one submission).

Conditions:
Congenital hyperammonemia, type I. Also called: Carbamoyl phosphate synthetase I deficiency disease; CPS I DEFICIENCY; Carbamoyl phosphate synthetase 1 deficiency; Hyperammonemia due to carbamoyl phosphate synthetase 1 deficiency; CPS 1 deficiency; Carbamyl phosphate synthetase (CPS) deficiency. Identifiers: Orphanet 147, MedGen C4082171, MONDO:0009376, OMIM 237300.

Submission:

Myriad Genetics, Inc.
Classification: Likely pathogenic for Congenital hyperammonemia, type I. Last evaluated: 2022-05-14. Review status: criteria provided, single submitter. Criteria: Myriad Women's Health Autosomal Recessive and X-Linked Classification Criteria (2021). Collection method: clinical testing. Allele origin: unknown.
Comment: NM_001875.4(CPS1):c.3824_3825del2ins7(F1275Cfs*10) is expected to be pathogenic in the context of carbamoylphosphate synthetase I deficiency. This variant is predicted to lead to an abnormal or absent protein product due to the creation of a premature termination codon in CPS1, a gene where loss-of-function variants are known to be pathogenic. Please note: this variant was assessed in the context of healthy population screening.

NM_001875.5(CPS1):c.3824_3825delinsGTCTCTT (p.Phe1275fs)

Gene: CPS1 (carbamoyl-phosphate synthase 1; plus strand). Cytogenetic location: 2q34.
Variant type: Indel.
Coding change: c.3824_3825delinsGTCTCTT on transcript NM_001875.5 (MANE Select); coding-DNA positions 3824 to 3825, TC replaced by GTCTCTT.
Protein change: p.Phe1275fs; shifts the reading frame from phenylalanine 1275.
Molecular consequence: frameshift variant. On other transcripts: non-coding transcript variant (2).
Genome position (GRCh38, 1-based): chr2:210,660,552-210,660,553, TC replaced by GTCTCTT. VCF-style: chr2-210660552-TC-GTCTCTT. GRCh37 (hg19) VCF-style: chr2-211525276-TC-GTCTCTT.
Other names: c.3824_3825delinsGTCTCTT, p.Phe1275fs (NM_001122633.3, NM_001369257.1); c.3857_3858delinsGTCTCTT, p.Phe1286fs (NM_001369256.1); short protein forms F1275fs, F1286fs.
Identifiers: ClinVar variation 1726059 (VCV001726059.2), dbSNP rs2469332697, ClinGen allele CA2580065550.